The following is an entry in ClinVar:

ClinVar aggregate classification (germline): Likely benign. Review status: criteria provided, single submitter (1 of 4 stars). 2 submissions from 2 submitters: Likely benign (1). 1 of the submissions does not count toward it. Last evaluated 2023-07-30.

Conditions:
UNC13D-related disorder. Also called: UNC13D-related condition.
Familial hemophagocytic lymphohistiocytosis 3 (FHL3). Also called: UNC13D-Related Familial Hemophagocytic Lymphohistiocytosis (UNC13D-fHLH). Identifiers: Orphanet 540, MedGen C1837174, MONDO:0012146, OMIM 608898.

Allele frequency attached by ClinVar (database versions not stated): gnomAD 0.00001; gnomAD exomes 0.00001; TOPMed 0.00001; ExAC 0.00006.
gnomAD v4.1: 16 of 1,569,342 alleles (0.001%); highest among the groups gnomAD compares: South Asian, 0.0034%; no homozygotes.

Submissions (2):

Labcorp Genetics (formerly Invitae), Labcorp
Classification: Likely benign for Familial hemophagocytic lymphohistiocytosis 3. Last evaluated: 2023-07-30. Review status: criteria provided, single submitter. Criteria: Invitae Variant Classification Sherloc (09022015). Collection method: clinical testing. Allele origin: germline.

PreventionGenetics, part of Exact Sciences
Classification: Likely benign for UNC13D-related condition. Last evaluated: 2024-04-03. Review status: no assertion criteria provided. Collection method: clinical testing. Allele origin: germline. Not counted in ClinVar's aggregate classification.
Comment: This variant is classified as likely benign based on ACMG/AMP sequence variant interpretation guidelines (Richards et al. 2015 PMID: 25741868, with internal and published modifications).

NM_199242.3(UNC13D):c.2190C>T (p.Ala730=)

Gene: UNC13D (unc-13 homolog D; minus strand). Cytogenetic location: 17q25.1.
Variant type: single nucleotide variant.
Coding change: c.2190C>T on transcript NM_199242.3 (MANE Select); coding-DNA position 2190, C replaced by T.
Protein change: p.Ala730=; no amino-acid change (alanine 730 retained).
Molecular consequence: synonymous variant.
Genome position (GRCh38, 1-based): chr17:75,834,433, G>A on the plus strand (C>T on the coding strand, the complement: UNC13D is on the minus strand). VCF-style: chr17-75834433-G-A. GRCh37 (hg19) VCF-style: chr17-73830514-G-A.
Identifiers: ClinVar variation 2175022 (VCV002175022.5), dbSNP rs756842152, ClinGen allele CA8772644.